The following is an entry in ClinVar:

ClinVar aggregate classification (germline): Uncertain significance (1 of 4 stars; one submission).

Submission:

Women's Health and Genetics/Laboratory Corporation of America, LabCorp
Classification: Uncertain significance. Last evaluated: 2025-06-19. Review status: criteria provided, single submitter. Criteria: LabCorp Variant Classification Summary - May 2015. Collection method: clinical testing. Allele origin: germline.
Comment: Variant summary: CACNA1D c.3142A>C (p.Met1048Leu) results in a conservative amino acid change in the encoded protein sequence. Algorithms developed to predict the effect of missense changes on protein structure and function are either unavailable or do not agree on the potential impact of this missense change. The variant allele was found at a frequency of 4e-06 in 251480 control chromosomes. The available data on variant occurrences in the general population are insufficient to allow any conclusion about variant significance. To our knowledge, no occurrence of c.3142A>C in individuals affected with Sinoatrial Node Dysfunction And Deafness and no experimental evidence demonstrating its impact on protein function have been reported. No submitters have cited clinical-significance assessments for this variant to ClinVar. Based on the evidence outlined above, the variant was classified as uncertain significance.

NM_001128840.3(CACNA1D):c.3082A>C (p.Met1028Leu)

Gene: CACNA1D (calcium voltage-gated channel subunit alpha1 D; plus strand). Cytogenetic location: 3p21.1.
Variant type: single nucleotide variant.
Coding change: c.3082A>C on transcript NM_001128840.3 (MANE Select); coding-DNA position 3082, A replaced by C.
Protein change: p.Met1028Leu; replaces methionine 1028 with leucine.
Molecular consequence: missense variant.
Genome position (GRCh38, 1-based): chr3:53,745,699, A>C. VCF-style: chr3-53745699-A-C. GRCh37 (hg19) VCF-style: chr3-53779726-A-C.
Other names: c.3142A>C, p.Met1048Leu (NM_000720.4); c.3082A>C, p.Met1028Leu (NM_001128839.3); short protein forms M1028L, M1048L.
Identifiers: ClinVar variation 3907652 (VCV003907652.1).
Genomic context (GRCh38, chr3:53,745,699, plus strand): 5'-GTCTTCGTGGCCATCCGGACCATCGGCAACATCATGATCGTCACCACCCTCCTGCAGTTC[A>C]TGTTTGCCTGTATCGGGGTCCAGTTGTTCAAGGTAGAGGAACTGCCTCCAAGCATAAAAC-3'
Protein context (NP_001122312.1, residues 1018-1038): IMIVTTLLQF[Met1028Leu]FACIGVQLFK